The following is an entry in ClinVar:

NM_001369.3(DNAH5):c.10545A>G (p.Lys3515=)

Gene: DNAH5 (dynein axonemal heavy chain 5; minus strand). Cytogenetic location: 5p15.2.
Variant type: single nucleotide variant.
Coding change: c.10545A>G on transcript NM_001369.3 (MANE Select); coding-DNA position 10545, A replaced by G.
Protein change: p.Lys3515=; no amino-acid change (lysine 3515 retained).
Molecular consequence: synonymous variant.
Genome position (GRCh38, 1-based): chr5:13,754,213, T>C on the plus strand (A>G on the coding strand, the complement: DNAH5 is on the minus strand). VCF-style: chr5-13754213-T-C. GRCh37 (hg19) VCF-style: chr5-13754322-T-C.
Identifiers: ClinVar variation 163135 (VCV000163135.12), dbSNP rs727502972, ClinGen allele CA175772.

ClinVar aggregate classification (germline): Likely benign. Review status: criteria provided, multiple submitters, no conflicts (2 of 4 stars). 2 submissions from 2 submitters: Likely benign (2). Last evaluated 2017-03-06.

Conditions:
Primary ciliary dyskinesia. Also called: Ciliary dyskinesia. Identifiers: Orphanet 244, MedGen C0008780, MONDO:0016575, HP:0012265.

Allele frequency attached by ClinVar (database versions not stated): gnomAD exomes below 0.00001.
gnomAD v4.1: 3 of 1,614,096 alleles (0.00019%); highest among the groups gnomAD compares: Non-Finnish European, 0.00025%; no homozygotes.

Submissions (2):

Labcorp Genetics (formerly Invitae), Labcorp
Classification: Likely benign for Primary ciliary dyskinesia. Last evaluated: 2017-03-06. Review status: criteria provided, single submitter. Criteria: Invitae Variant Classification Sherloc (09022015). Collection method: clinical testing. Allele origin: germline.

Laboratory for Molecular Medicine, Mass General Brigham Personalized Medicine
Classification: Likely benign. Last evaluated: 2014-04-24. Review status: criteria provided, single submitter. Criteria: LMM Criteria. Collection method: clinical testing. Allele origin: germline. Observed: 1 variant allele.
Comment: Lys3515Lys in exon 62 of DNAH5: This variant is not expected to have clinical si gnificance because it does not alter an amino acid residue and is not located wi thin the splice consensus sequence.